The following is an entry in ClinVar:

NM_001134707.2(SARDH):c.1467C>T (p.His489=)

Gene: SARDH (sarcosine dehydrogenase; minus strand). Cytogenetic location: 9q34.2.
Variant type: single nucleotide variant.
Coding change: c.1467C>T on transcript NM_001134707.2 (MANE Select); coding-DNA position 1467, C replaced by T.
Protein change: p.His489=; no amino-acid change (histidine 489 retained).
Molecular consequence: synonymous variant.
Genome position (GRCh38, 1-based): chr9:133,708,290, G>A on the plus strand (C>T on the coding strand, the complement: SARDH is on the minus strand). VCF-style: chr9-133708290-G-A. GRCh37 (hg19) VCF-style: chr9-136573412-G-A.
Other names: c.1467C>T, p.His489= (NM_007101.4).
Identifiers: ClinVar variation 1269024 (VCV001269024.4), dbSNP rs2073815, ClinGen allele CA5314292.

ClinVar aggregate classification (germline): Benign. Review status: criteria provided, multiple submitters, no conflicts (2 of 4 stars). 3 submissions from 3 submitters: Benign (2). 1 of the submissions does not count toward it. Last evaluated 2019-07-22.

Conditions:
SARDH-related disorder. Also called: SARDH-related condition.

Allele frequency attached by ClinVar (database versions not stated): ESP Exome Variant Server 0.47455; gnomAD exomes 0.51180; ExAC 0.51198; 1000 Genomes Project 30x 0.42005; 1000 Genomes Project 0.42392; TOPMed 0.45493.
gnomAD v4.1: 884,503 of 1,611,578 alleles (55%); highest among the groups gnomAD compares: Non-Finnish European, 58%; 248,332 homozygotes.

Submissions (3):

GeneDx
Classification: Benign. Last evaluated: 2019-07-22. Review status: criteria provided, single submitter. Criteria: GeneDx Variant Classification Process June 2021. Collection method: clinical testing. Allele origin: germline. Affected: yes.

Breakthrough Genomics
Classification: Benign. Review status: criteria provided, single submitter. Criteria: ACMG Guidelines, 2015. Collection method: not provided. Allele origin: germline. Inheritance: Autosomal recessive inheritance. Affected: yes.

PreventionGenetics, part of Exact Sciences
Classification: Benign for SARDH-related condition. Last evaluated: 2019-10-17. Review status: no assertion criteria provided. Collection method: clinical testing. Allele origin: germline. Not counted in ClinVar's aggregate classification.
Comment: This variant is classified as benign based on ACMG/AMP sequence variant interpretation guidelines (Richards et al. 2015 PMID: 25741868, with internal and published modifications).